The following is an entry in ClinVar:

NM_014780.5(CUL7):c.4729G>A (p.Ala1577Thr)

Gene: CUL7 (cullin 7; minus strand). Cytogenetic location: 6p21.1.
Variant type: single nucleotide variant.
Coding change: c.4729G>A on transcript NM_014780.5 (MANE Select); coding-DNA position 4729, G replaced by A.
Protein change: p.Ala1577Thr; replaces alanine 1577 with threonine.
Molecular consequence: missense variant.
Genome position (GRCh38, 1-based): chr6:43,038,311, C>T on the plus strand (G>A on the coding strand, the complement: CUL7 is on the minus strand). VCF-style: chr6-43038311-C-T. GRCh37 (hg19) VCF-style: chr6-43006049-C-T.
Other names: c.4825G>A, p.Ala1609Thr (NM_001168370.2, NM_001374872.1); c.4741G>A, p.Ala1581Thr (NM_001374873.1); c.4726G>A, p.Ala1576Thr (NM_001374874.1); short protein forms A1576T, A1581T, A1577T, A1609T.
Identifiers: ClinVar variation 1986442 (VCV001986442.4), dbSNP rs1406298767, ClinGen allele CA364185446.

ClinVar aggregate classification (germline): Uncertain significance (1 of 4 stars; one submission).

Allele frequency attached by ClinVar (database versions not stated): gnomAD exomes below 0.00001.

Submission:

Labcorp Genetics (formerly Invitae), Labcorp
Classification: Uncertain significance. Last evaluated: 2022-08-09. Review status: criteria provided, single submitter. Criteria: Invitae Variant Classification Sherloc (09022015). Collection method: clinical testing. Allele origin: germline.
Comment: In summary, the available evidence is currently insufficient to determine the role of this variant in disease. Therefore, it has been classified as a Variant of Uncertain Significance. Algorithms developed to predict the effect of missense changes on protein structure and function are either unavailable or do not agree on the potential impact of this missense change (SIFT: "Tolerated"; PolyPhen-2: "Possibly Damaging"; Align-GVGD: "Class C0"). This variant has not been reported in the literature in individuals affected with CUL7-related conditions. This variant is not present in population databases (gnomAD no frequency). This sequence change replaces alanine, which is neutral and non-polar, with threonine, which is neutral and polar, at codon 1577 of the CUL7 protein (p.Ala1577Thr).